The following is an entry in ClinVar:

NM_000127.3(EXT1):c.2053C>T (p.Gln685Ter)

Gene: EXT1 (exostosin glycosyltransferase 1; minus strand). Cytogenetic location: 8q24.11.
Variant type: single nucleotide variant.
Coding change: c.2053C>T on transcript NM_000127.3 (MANE Select); coding-DNA position 2053, C replaced by T.
Protein change: p.Gln685Ter; replaces glutamine 685 with a stop codon.
Molecular consequence: nonsense.
Genome position (GRCh38, 1-based): chr8:117,804,724, G>A on the plus strand (C>T on the coding strand, the complement: EXT1 is on the minus strand). VCF-style: chr8-117804724-G-A. GRCh37 (hg19) VCF-style: chr8-118816963-G-A.
Other names: short protein forms Q685*.
Identifiers: ClinVar variation 946511 (VCV000946511.10), dbSNP rs1823212414, ClinGen allele CA371876766.

ClinVar aggregate classification (germline): Pathogenic/Likely pathogenic. Review status: criteria provided, multiple submitters, no conflicts (2 of 4 stars). 2 submissions from 2 submitters: Pathogenic (1); Likely pathogenic (1). Last evaluated 2023-07-27.

Conditions:
Exostoses, multiple, type 1 (EXT1). Also called: Hereditary Multiple Osteochondromatosis, Type I; EXOSTOSES, MULTIPLE, TYPE I. Identifiers: MedGen CN263289, MONDO:0007585, OMIM 133700.
Multiple congenital exostosis (EXT). Also called: Multiple osteochondromas; MULTIPLE CARTILAGINOUS EXOSTOSES; Hereditary multiple exostoses; Hereditary multiple exostosis; Hereditary multiple osteochondromas; Multiple exostoses. Identifiers: Orphanet 321, MedGen C0015306, MONDO:0005508, HP:0002762.

Submissions (2):

Department of Human Genetics, Hannover Medical School
Classification: Likely pathogenic for Exostoses, multiple, type 1. Last evaluated: 2023-07-27. Review status: criteria provided, single submitter. Criteria: ACMG Guidelines, 2015. Collection method: clinical testing. Allele origin: germline. Inheritance: Autosomal dominant inheritance. Affected: yes.

Labcorp Genetics (formerly Invitae), Labcorp
Classification: Pathogenic for Multiple congenital exostosis. Last evaluated: 2023-01-12. Review status: criteria provided, single submitter. Criteria: Invitae Variant Classification Sherloc (09022015). Collection method: clinical testing. Allele origin: germline.
Comment: For these reasons, this variant has been classified as Pathogenic. ClinVar contains an entry for this variant (Variation ID: 946511). This premature translational stop signal has been observed in individual(s) with multiple exostoses (PMID: 9521425, 26961984). It has also been observed to segregate with disease in related individuals. This variant is not present in population databases (gnomAD no frequency). This sequence change creates a premature translational stop signal (p.Gln685*) in the EXT1 gene. While this is not anticipated to result in nonsense mediated decay, it is expected to disrupt the last 62 amino acid(s) of the EXT1 protein.

Literature cited by the submitters: PubMed 9521425 (cited by Labcorp Genetics (formerly Invitae), Labcorp); PubMed 26961984 (cited by Labcorp Genetics (formerly Invitae), Labcorp).